The following is an entry in ClinVar:

ClinVar aggregate classification (germline): Likely benign. Review status: criteria provided, single submitter (1 of 4 stars). 2 submissions from 2 submitters: Likely benign (1). 1 of the submissions does not count toward it. Last evaluated 2025-08-18.

Conditions:
Osteogenesis imperfecta type 8 (OI8). Identifiers: MedGen C1970458, MONDO:0012581, OMIM 610915.
P3H1-related disorder. Also called: P3H1-related condition.

Allele frequency attached by ClinVar (database versions not stated): TOPMed 0.00001; ExAC 0.00003; gnomAD exomes 0.00004.
gnomAD v4.1: 21 of 1,613,070 alleles (0.0013%); highest among the groups gnomAD compares: East Asian, 0.0067%; no homozygotes.

Submissions (2):

Labcorp Genetics (formerly Invitae), Labcorp
Classification: Likely benign for Osteogenesis imperfecta type 8. Last evaluated: 2025-08-18. Review status: criteria provided, single submitter. Criteria: Invitae Variant Classification Sherloc (09022015). Collection method: clinical testing. Allele origin: germline.

PreventionGenetics, part of Exact Sciences
Classification: Likely benign for P3H1-related condition. Last evaluated: 2023-02-27. Review status: no assertion criteria provided. Collection method: clinical testing. Allele origin: germline. Not counted in ClinVar's aggregate classification.
Comment: This variant is classified as likely benign based on ACMG/AMP sequence variant interpretation guidelines (Richards et al. 2015 PMID: 25741868, with internal and published modifications).

NM_022356.4(P3H1):c.1830C>T (p.Arg610=)

Gene: P3H1 (prolyl 3-hydroxylase 1; minus strand). Cytogenetic location: 1p34.2.
Variant type: single nucleotide variant.
Coding change: c.1830C>T on transcript NM_022356.4 (MANE Select); coding-DNA position 1830, C replaced by T.
Protein change: p.Arg610=; no amino-acid change (arginine 610 retained).
Molecular consequence: synonymous variant.
Genome position (GRCh38, 1-based): chr1:42,748,208, G>A on the plus strand (C>T on the coding strand, the complement: P3H1 is on the minus strand). VCF-style: chr1-42748208-G-A. GRCh37 (hg19) VCF-style: chr1-43213879-G-A.
Other names: c.1830C>T, p.Arg610= (NM_001146289.2, NM_001243246.2).
Identifiers: ClinVar variation 468974 (VCV000468974.10), dbSNP rs780329868, ClinGen allele CA801688.
Genomic context (GRCh38, chr1:42,748,208, plus strand): 5'-GGCCTCTGAGGAGGGCACAGACCTCCTCACCCTGCACCTGCCCCGCACTCACCTGTAGTC[G>A]CGGAAGGTGTAGGCTGGGGGCTCTTTGACACACACGAGGGTCTCGGCATTCAGGATGCAG-3'
Protein context (NP_071751.3, residues 600-620): CVKEPPAYTF[Arg610=]DYSAILYLNG